The following is an entry in ClinVar:

Conditions:
Arteriohepatic dysplasia. Also called: Alagille Syndrome. Identifiers: Orphanet 52, MedGen C0085280, MeSH D016738, MONDO:0007318.

Submission:

Gilbert/Spinner Lab, Children's Hospital of Philadelphia
No classification provided (evidence only). Condition: Alagille syndrome. Review status: no classification provided. Collection method: research. Allele origin: not applicable. Functional consequence: functionally_abnormal.
ClinVar note: "not provided" was previously submitted as the classification for the variant. However, the classification appeared to be based only on an observation of functional data so it was converted to no classification on 2025-07-30.

NM_000214.3(JAG1):c.62T>G (p.Leu21Arg)

Gene: JAG1 (jagged canonical Notch ligand 1; minus strand). Cytogenetic location: 20p12.2.
Variant type: single nucleotide variant.
Coding change: c.62T>G on transcript NM_000214.3 (MANE Select); coding-DNA position 62, T replaced by G.
Protein change: p.Leu21Arg; replaces leucine 21 with arginine.
Molecular consequence: missense variant.
Genome position (GRCh38, 1-based): chr20:10,673,469, A>C on the plus strand (T>G on the coding strand, the complement: JAG1 is on the minus strand). VCF-style: chr20-10673469-A-C. GRCh37 (hg19) VCF-style: chr20-10654117-A-C.
Other names: short protein forms L21R.
Identifiers: ClinVar variation 3573108 (VCV003573108.2).
Genomic context (GRCh38, chr20:10,673,469, plus strand): 5'-GAGAGGACGGCTGGGAGGGAGGCCCGGAGAAGGGCTCCTACCTTGGCTCGCAGGGCACAG[A>C]GCAGGGCGAGCAGGAGGCTTAGGGGGCGCCCGGACCGGCCGCGCGTCCGTGGGGAACGCA-3'
Protein context (NP_000205.1, residues 11-31): GRPLSLLLAL[Leu21Arg]CALRAKVCGA